The following is an entry in ClinVar:

ClinVar aggregate classification (germline): Uncertain significance (1 of 4 stars; one submission).

Conditions:
Methylcobalamin deficiency type cblE (HMAE). Also called: HOMOCYSTINURIA-MEGALOBLASTIC ANEMIA, cblE COMPLEMENTATION TYPE; VITAMIN B12-RESPONSIVE HOMOCYSTINURIA, cblE TYPE; HOMOCYSTINURIA-MEGALOBLASTIC ANEMIA, cblE TYPE. Identifiers: Orphanet 2169, Orphanet 622, MedGen C1856057, MONDO:0009354, OMIM 236270.

Allele frequency attached by ClinVar (database versions not stated): gnomAD exomes below 0.00001; ExAC 0.00001.
gnomAD v4.1: 2 of 1,614,246 alleles (0.00012%); highest among the groups gnomAD compares: Admixed American, 0.0017%; no homozygotes.

Submission:

Labcorp Genetics (formerly Invitae), Labcorp
Classification: Uncertain significance for Methylcobalamin deficiency type cblE. Last evaluated: 2022-06-02. Review status: criteria provided, single submitter. Criteria: Invitae Variant Classification Sherloc (09022015). Collection method: clinical testing. Allele origin: germline.
Comment: This sequence change replaces isoleucine, which is neutral and non-polar, with threonine, which is neutral and polar, at codon 472 of the MTRR protein (p.Ile472Thr). This variant is present in population databases (rs756103128, gnomAD 0.003%). This variant has not been reported in the literature in individuals affected with MTRR-related conditions. Algorithms developed to predict the effect of missense changes on protein structure and function (SIFT, PolyPhen-2, Align-GVGD) all suggest that this variant is likely to be tolerated. In summary, the available evidence is currently insufficient to determine the role of this variant in disease. Therefore, it has been classified as a Variant of Uncertain Significance.

NM_002454.3(MTRR):c.1415T>C (p.Ile472Thr)

Gene: MTRR (5-methyltetrahydrofolate-homocysteine methyltransferase reductase; plus strand). Cytogenetic location: 5p15.31.
Variant type: single nucleotide variant.
Coding change: c.1415T>C on transcript NM_002454.3 (MANE Select); coding-DNA position 1415, T replaced by C.
Protein change: p.Ile472Thr; replaces isoleucine 472 with threonine.
Molecular consequence: missense variant. On other transcripts: non-coding transcript variant (14).
Genome position (GRCh38, 1-based): chr5:7,892,771, T>C. VCF-style: chr5-7892771-T-C. GRCh37 (hg19) VCF-style: chr5-7892884-T-C.
Other names: c.1415T>C, p.Ile472Thr (NM_001364440.2, NM_001364441.2, NM_001364442.2 and 1 more transcripts); short protein forms I472T.
Identifiers: ClinVar variation 2060433 (VCV002060433.1), dbSNP rs756103128, ClinGen allele CA3195949.